The following is an entry in ClinVar:

NM_001114753.3(ENG):c.1029_1060delinsATGGTGG (p.Thr344fs)

Gene: ENG (endoglin; minus strand). Cytogenetic location: 9q34.11.
Variant type: Indel.
Coding change: c.1029_1060delinsATGGTGG on transcript NM_001114753.3 (MANE Select); coding-DNA positions 1029 to 1060, the reference bases replaced by ATGGTGG.
Protein change: p.Thr344fs; shifts the reading frame from threonine 344.
Molecular consequence: frameshift variant.
Genome position (GRCh38, 1-based): chr9:127,824,378-127,824,409, 32 bases replaced. GRCh37 (hg19): chr9:130,586,657-130,586,688.
Other names: c.1029_1060del32insATGGTGG, p.Thr344Trpfs (NM_000118.4, NM_001406715.1); c.483_514delinsATGGTGG, p.Thr162fs (NM_001278138.2); short protein forms T344fs, T162fs.
Identifiers: ClinVar variation 407120 (VCV000407120.9), dbSNP rs1064792934, ClinGen allele CA16612700.

ClinVar aggregate classification (germline): Pathogenic. Review status: criteria provided, multiple submitters, no conflicts (2 of 4 stars). 2 submissions from 2 submitters: Pathogenic (2). Last evaluated 2016-10-14.

Conditions:
Hereditary hemorrhagic telangiectasia (HHT). Also called: ORW DISEASE; Osler Weber Rendu syndrome; OSLER-RENDU-WEBER DISEASE; Osler hemorrhagic telangiectasia syndrome. Identifiers: Orphanet 774, MedGen C0039445, MONDO:0019180. Disease mechanism: loss of function.

Submissions (2):

Stanford Center for Inherited Cardiovascular Disease, Stanford University
Classification: Pathogenic. Last evaluated: 2016-10-14. Review status: criteria provided, single submitter. Criteria: ACMG Guidelines, 2015. Collection method: provider interpretation. Allele origin: germline.

Labcorp Genetics (formerly Invitae), Labcorp
Classification: Pathogenic for Hereditary hemorrhagic telangiectasia. Last evaluated: 2016-07-18. Review status: criteria provided, single submitter. Criteria: Invitae Variant Classification Sherloc (09022015). Collection method: clinical testing. Allele origin: germline.
Comment: While this particular variant has not been reported in the literature, loss-of-function variants in ENG are known to be pathogenic (PMID: 21158752, 12673790). For these reasons, this variant has been classified as Pathogenic. This sequence change deletes 32 nucleotides and inserts 7 unrelated ones in exon 8 of the ENG mRNA (c.1029_1060delinsATGGTGG ), causing a frameshift at codon 344. This creates a premature translational stop signal (p.Thr344Trpfs*7) and is expected to result in an absent or disrupted protein product.

Literature cited by the submitters: PubMed 21158752 (cited by Labcorp Genetics (formerly Invitae), Labcorp); PubMed 12673790 (cited by Labcorp Genetics (formerly Invitae), Labcorp).